The following is an entry in ClinVar:

NM_000632.4(ITGAM):c.441G>C (p.Glu147Asp)

Gene: ITGAM (integrin subunit alpha M; plus strand). Cytogenetic location: 16p11.2.
Variant type: single nucleotide variant.
Coding change: c.441G>C on transcript NM_000632.4 (MANE Select); coding-DNA position 441, G replaced by C.
Protein change: p.Glu147Asp; replaces glutamic acid 147 with aspartic acid.
Molecular consequence: missense variant.
Genome position (GRCh38, 1-based): chr16:31,270,967, G>C. VCF-style: chr16-31270967-G-C. GRCh37 (hg19) VCF-style: chr16-31282288-G-C.
Other names: c.441G>C, p.Glu147Asp (NM_001145808.2); short protein forms E147D.
Identifiers: ClinVar variation 3687715 (VCV003687715.2).
Genomic context (GRCh38, chr16:31,270,967, plus strand): 5'-CACCAAGTGTCAAATTACTTGATTCATACTCTTTTCCCCTTCCCCAGGGTGTCCTCAAGA[G>C]GATAGTGACATTGCCTTCTTGATTGATGGCTCTGGTAGCATCATCCCACATGACTTTCGG-3'
Protein context (NP_000623.2, residues 137-157): FPEALRGCPQ[Glu147Asp]DSDIAFLIDG

ClinVar aggregate classification (germline): Uncertain significance (1 of 4 stars; one submission).

gnomAD v4.1: 1 of 1,570,756 alleles (0.000064%); highest among the groups gnomAD compares: East Asian, 0.0023%; no homozygotes.

Submission:

Labcorp Genetics (formerly Invitae), Labcorp
Classification: Uncertain significance. Last evaluated: 2024-02-13. Review status: criteria provided, single submitter. Criteria: Invitae Variant Classification Sherloc (09022015). Collection method: clinical testing. Allele origin: germline.
Comment: This sequence change replaces glutamic acid, which is acidic and polar, with aspartic acid, which is acidic and polar, at codon 147 of the ITGAM protein (p.Glu147Asp). This variant is not present in population databases (gnomAD no frequency). This variant has not been reported in the literature in individuals affected with ITGAM-related conditions. An algorithm developed to predict the effect of missense changes on protein structure and function (PolyPhen-2) suggests that this variant is likely to be tolerated. In summary, the available evidence is currently insufficient to determine the role of this variant in disease. Therefore, it has been classified as a Variant of Uncertain Significance.